The following is an entry in ClinVar:

ClinVar aggregate classification (germline): Uncertain significance (1 of 4 stars; one submission).

Conditions:
Cardiovascular phenotype. Identifiers: MedGen CN230736.

Submissions (2):

Ambry Genetics
Classification: Uncertain significance for Cardiovascular phenotype. Last evaluated: 2022-05-02. Review status: criteria provided, single submitter. Criteria: Ambry Variant Classification Scheme 2023. Collection method: clinical testing. Allele origin: germline.
Comment: The p.P240L variant (also known as c.719C>T), located in coding exon 5 of the JAG1 gene, results from a C to T substitution at nucleotide position 719. The proline at codon 240 is replaced by leucine, an amino acid with similar properties. This amino acid position is conserved. In addition, this alteration is predicted to be tolerated by in silico analysis. Since supporting evidence is limited at this time, the clinical significance of this alteration remains unclear.

Gilbert/Spinner Lab, Children's Hospital of Philadelphia
No classification provided (evidence only). Condition: Alagille syndrome. Review status: no classification provided. Collection method: research. Allele origin: not applicable. Functional consequence: functionally_abnormal. Not counted in ClinVar's aggregate classification.
ClinVar note: "not provided" was previously submitted as the classification for the variant. However, the classification appeared to be based only on an observation of functional data so it was converted to no classification on 2025-07-30.

NM_000214.3(JAG1):c.719C>T (p.Pro240Leu)

Gene: JAG1 (jagged canonical Notch ligand 1; minus strand). Cytogenetic location: 20p12.2.
Variant type: single nucleotide variant.
Coding change: c.719C>T on transcript NM_000214.3 (MANE Select); coding-DNA position 719, C replaced by T.
Protein change: p.Pro240Leu; replaces proline 240 with leucine.
Molecular consequence: missense variant.
Genome position (GRCh38, 1-based): chr20:10,656,434, G>A on the plus strand (C>T on the coding strand, the complement: JAG1 is on the minus strand). VCF-style: chr20-10656434-G-A. GRCh37 (hg19) VCF-style: chr20-10637082-G-A.
Other names: short protein forms P240L.
Identifiers: ClinVar variation 1757623 (VCV001757623.4), dbSNP rs2514524472, ClinGen allele CA408239815.